The following is an entry in ClinVar:

NM_004260.4(RECQL4):c.2636del (p.Pro879fs)

Gene: RECQL4 (RecQ like helicase 4; minus strand). Cytogenetic location: 8q24.3.
Variant type: Deletion.
Coding change: c.2636del on transcript NM_004260.4 (MANE Select); coding-DNA position 2636, one base deleted (C; older notation c.2636delC).
Protein change: p.Pro879fs; shifts the reading frame from proline 879.
Molecular consequence: frameshift variant.
Genome position (GRCh38, 1-based): chr8:144,512,966, G deleted on the plus strand (C on the coding strand, the reverse complement: RECQL4 is on the minus strand); the first of 6 consecutive G bases (chr8:144,512,966-144,512,971); deleting any one gives the same sequence. VCF-style (leftmost placement, unchanged base first): chr8-144512965-AG-A. GRCh37 (hg19) VCF-style: chr8-145738348-AG-A.
Other names: c.2636delC (NM_004260.3); short protein forms P879fs.
Identifiers: ClinVar variation 855952 (VCV000855952.8), dbSNP rs1215700016, ClinGen allele CA848893775.

ClinVar aggregate classification (germline): Pathogenic/Likely pathogenic. Review status: criteria provided, multiple submitters, no conflicts (2 of 4 stars). 3 submissions from 3 submitters: Pathogenic (1); Likely pathogenic (1). 1 of the submissions does not count toward it. Last evaluated 2024-11-05.

Conditions:
Baller-Gerold syndrome (BGS). Also called: CRANIOSYNOSTOSIS WITH RADIAL DEFECTS. Identifiers: Orphanet 1225, MedGen C0265308, MONDO:0009039, OMIM 218600.
RECQL4-related disorder. Also called: RECQL4-related disorders; RECQL4-related condition.

Submissions (3):

Labcorp Genetics (formerly Invitae), Labcorp
Classification: Pathogenic for Baller-Gerold syndrome. Last evaluated: 2024-11-05. Review status: criteria provided, single submitter. Criteria: Invitae Variant Classification Sherloc (09022015). Collection method: clinical testing. Allele origin: germline.
Comment: This sequence change creates a premature translational stop signal (p.Pro879Leufs*69) in the RECQL4 gene. It is expected to result in an absent or disrupted protein product. Loss-of-function variants in RECQL4 are known to be pathogenic (PMID: 12734318, 12952869). This variant is not present in population databases (gnomAD no frequency). This premature translational stop signal has been observed in individual(s) with Rothmund-Thomson syndrome (PMID: 28486640). ClinVar contains an entry for this variant (Variation ID: 855952). For these reasons, this variant has been classified as Pathogenic.

Blueprint Genetics
Classification: Likely pathogenic for RECQL4-related disorders. Last evaluated: 2018-08-31. Review status: criteria provided, single submitter. Criteria: ACMG Guidelines, 2015. Collection method: clinical testing. Allele origin: germline. Affected: yes. Observed: 2 variant alleles.

PreventionGenetics, part of Exact Sciences
Classification: Likely pathogenic for RECQL4-related condition. Last evaluated: 2024-09-17. Review status: no assertion criteria provided. Collection method: clinical testing. Allele origin: germline. Not counted in ClinVar's aggregate classification.
Comment: The RECQL4 c.2636delC variant is predicted to result in a frameshift and premature protein termination (p.Pro879Leufs*69). This variant has been reported in the presumed compound heterozygous state with a second RECQL4 variant of uncertain significance (c.1483+27_1483+37del11) in an individual diagnosed with Rothmund-Thomsen syndrome type 2 (Cao et al. 2017. PubMed ID: 28486640). It has also been observed as a single heterozygous variant in an individual with a history of prostate cancer and multiple myeloma, although it is unclear whether the presence of the c.2636delC variant is related to this individual's cancer history (Paulo et al. 2018. PubMed ID: 29659569). This variant has not been reported in the gnomAD database, indicating this variant is rare. Frameshift variants in RECQL4 are expected to be pathogenic. This variant is interpreted as likely pathogenic.

Literature cited by the submitters: PubMed 12734318 (cited by Labcorp Genetics (formerly Invitae), Labcorp); PubMed 12952869 (cited by Labcorp Genetics (formerly Invitae), Labcorp); PubMed 28486640 (cited by Labcorp Genetics (formerly Invitae), Labcorp).